The following is an entry in ClinVar:

ClinVar aggregate classification (germline): Uncertain significance (1 of 4 stars; one submission).

Submission:

GeneDx
Classification: Uncertain significance. Last evaluated: 2026-01-30. Review status: criteria provided, single submitter. Criteria: GeneDx Variant Classification Process June 2021. Collection method: clinical testing. Allele origin: germline.
Comment: Not observed at significant frequency in large population cohorts (gnomAD); In silico analysis supports that this missense variant has a deleterious effect on protein structure/function; Has not been previously published as pathogenic or benign to our knowledge

NM_001282684.2(KCTD17):c.579C>G (p.Asn193Lys)

Gene: KCTD17 (potassium channel tetramerization domain containing 17; plus strand). Cytogenetic location: 22q12.3.
Variant type: single nucleotide variant.
Coding change: c.579C>G on transcript NM_001282684.2 (MANE Select); coding-DNA position 579, C replaced by G.
Protein change: p.Asn193Lys; replaces asparagine 193 with lysine.
Molecular consequence: missense variant.
Genome position (GRCh38, 1-based): chr22:37,059,405, C>G. VCF-style: chr22-37059405-C-G. GRCh37 (hg19) VCF-style: chr22-37455445-C-G.
Other names: c.579C>G, p.Asn193Lys (NM_001282685.2, NM_001282686.2, NM_024681.4); short protein forms N193K.
Identifiers: ClinVar variation 4975473 (VCV004975473.1).